The following is an entry in ClinVar:

NM_000211.5(ITGB2):c.*167C>T

Gene: ITGB2 (integrin subunit beta 2; minus strand). Cytogenetic location: 21q22.3.
Variant type: single nucleotide variant.
Coding change: c.*167C>T on transcript NM_000211.5 (MANE Select); 167 bases downstream of the stop codon, C replaced by T.
Molecular consequence: 3 prime UTR variant.
Genome position (GRCh38, 1-based): chr21:44,886,201, G>A on the plus strand (C>T on the coding strand, the complement: ITGB2 is on the minus strand). VCF-style: chr21-44886201-G-A. GRCh37 (hg19) VCF-style: chr21-46306116-G-A.
Other names: c.*167C>T (LRG_76t1, NM_001127491.3, NM_001303238.2).
Identifiers: ClinVar variation 340131 (VCV000340131.5), dbSNP rs561251271, ClinGen allele CA10650587.

ClinVar aggregate classification (germline): Likely benign (1 of 4 stars; one submission).

Conditions:
Leukocyte adhesion deficiency 1 (LAD1). Also called: LEUKOCYTE ADHESION DEFICIENCY, TYPE I; LAD 1; Lymphocyte function-associated antigen 1 immunodeficiency; LFA 1 immunodeficiency. Identifiers: Orphanet 2968, Orphanet 99842, MedGen C0398738, MONDO:0007293, OMIM 116920.

Allele frequency attached by ClinVar (database versions not stated): 1000 Genomes Project 30x 0.00234; 1000 Genomes Project 0.00260; TOPMed 0.00404; gnomAD 0.00435 and 0.00450; gnomAD exomes 0.00578.
gnomAD v4.1: 3,745 of 689,398 alleles (0.54%); highest among the groups gnomAD compares: Non-Finnish European, 0.78%; 18 homozygotes.

Submission:

Illumina Laboratory Services, Illumina
Classification: Likely benign for Leukocyte adhesion deficiency 1. Last evaluated: 2018-01-13. Review status: criteria provided, single submitter. Criteria: ICSL Variant Classification Criteria 13 December 2019. Collection method: clinical testing. Allele origin: germline.
Comment: This variant was observed in the ICSL laboratory as part of a predisposition screen in an ostensibly healthy population. It had not been previously curated by ICSL or reported in the Human Gene Mutation Database (HGMD: prior to June 1st, 2018), and was therefore a candidate for classification through an automated scoring system. Utilizing variant allele frequency, disease prevalence and penetrance estimates, and inheritance mode, an automated score was calculated to assess if this variant is too frequent to cause the disease. Based on the score and internal cut-off values, a variant classified as likely benign is not then subjected to further curation. The score for this variant resulted in a classification of likely benign for this disease.